The following is an entry in ClinVar:

NM_000883.4(IMPDH1):c.235G>C (p.Asp79His)

Gene: IMPDH1 (inosine monophosphate dehydrogenase 1; minus strand). Cytogenetic location: 7q32.1.
Variant type: single nucleotide variant.
Coding change: c.235G>C on transcript NM_000883.4 (MANE Select); coding-DNA position 235, G replaced by C.
Protein change: p.Asp79His; replaces aspartic acid 79 with histidine.
Molecular consequence: missense variant. On other transcripts: intron variant (2).
Genome position (GRCh38, 1-based): chr7:128,409,308, C>G on the plus strand (G>C on the coding strand, the complement: IMPDH1 is on the minus strand). VCF-style: chr7-128409308-C-G. GRCh37 (hg19) VCF-style: chr7-128049362-C-G.
Other names: c.205G>C, p.Asp69His (NM_001102605.2); c.235G>C, p.Asp79His (NM_001142576.2); c.146+448G>C (NM_001304521.2, NM_183243.3); short protein forms D69H, D79H.
Identifiers: ClinVar variation 1353979 (VCV001353979.8), dbSNP rs1016744642, ClinGen allele CA369180665.
Genomic context (GRCh38, chr7:128,409,308, plus strand): 5'-TCAGATCTCAGTGCATGGTGAGGAGGGGAGAGTGTCCTCACCTAGCCCTGCGAAGGCGAT[C>G]CATCTGGACACCAACACCTGCCAGTAAGACCACTGAAGATAGTTCTAGGAGGAAACAGCT-3'
Protein context (NP_000874.2, residues 69-89): VLLAGVGVQM[Asp79His]RLRRASMADY

ClinVar aggregate classification (germline): Uncertain significance (1 of 4 stars; one submission).

Submission:

Labcorp Genetics (formerly Invitae), Labcorp
Classification: Uncertain significance. Last evaluated: 2025-05-05. Review status: criteria provided, single submitter. Criteria: Invitae Variant Classification Sherloc (09022015). Collection method: clinical testing. Allele origin: germline.
Comment: This sequence change replaces aspartic acid, which is acidic and polar, with histidine, which is basic and polar, at codon 79 of the IMPDH1 protein (p.Asp79His). This variant is not present in population databases (gnomAD no frequency). This variant has not been reported in the literature in individuals affected with IMPDH1-related conditions. ClinVar contains an entry for this variant (Variation ID: 1353979). An algorithm developed to predict the effect of missense changes on protein structure and function outputs the following: PolyPhen-2: "Benign". The histidine amino acid residue is found in multiple mammalian species, which suggests that this missense change does not adversely affect protein function. In summary, the available evidence is currently insufficient to determine the role of this variant in disease. Therefore, it has been classified as a Variant of Uncertain Significance.